The following is an entry in ClinVar:

ClinVar aggregate classification (germline): Uncertain significance. Review status: criteria provided, multiple submitters, no conflicts (2 of 4 stars). 2 submissions from 2 submitters: Uncertain significance (2). Last evaluated 2026-09-11.

Conditions:
Cardiovascular phenotype. Identifiers: MedGen CN230736.

gnomAD v4.1: 2 of 1,614,092 alleles (0.00012%); highest among the groups gnomAD compares: Admixed American, 0.0017%; no homozygotes.

Submissions (2):

Ambry Genetics
Classification: Uncertain significance for Cardiovascular phenotype. Last evaluated: 2026-09-11. Review status: criteria provided, single submitter. Criteria: Ambry Variant Classification Scheme 2023. Collection method: clinical testing. Allele origin: germline.
Comment: The p.H2996R variant (also known as c.8987A>G), located in coding exon 26 of the APOB gene, results from an A to G substitution at nucleotide position 8987. The histidine at codon 2996 is replaced by arginine, an amino acid with highly similar properties. This amino acid position is conserved. In addition, this alteration is predicted to be tolerated by in silico analysis. Based on the available evidence, the clinical significance of this variant remains unclear.

GeneDx
Classification: Uncertain significance. Last evaluated: 2026-02-13. Review status: criteria provided, single submitter. Criteria: GeneDx Variant Classification Process June 2021. Collection method: clinical testing. Allele origin: germline.
Comment: Not observed at significant frequency in large population cohorts (gnomAD); In silico analysis supports that this missense variant has a deleterious effect on protein structure/function; Has not been previously published as pathogenic or benign to our knowledge

NM_000384.3(APOB):c.8987A>G (p.His2996Arg)

Gene: APOB (apolipoprotein B; minus strand). Cytogenetic location: 2p24.1.
Variant type: single nucleotide variant.
Coding change: c.8987A>G on transcript NM_000384.3 (MANE Select); coding-DNA position 8987, A replaced by G.
Protein change: p.His2996Arg; replaces histidine 2996 with arginine.
Molecular consequence: missense variant.
Genome position (GRCh38, 1-based): chr2:21,007,881, T>C on the plus strand (A>G on the coding strand, the complement: APOB is on the minus strand). VCF-style: chr2-21007881-T-C. GRCh37 (hg19) VCF-style: chr2-21230753-T-C.
Other names: short protein forms H2996R.
Identifiers: ClinVar variation 3933544 (VCV003933544.3).